The following is an entry in ClinVar:

ClinVar aggregate classification (germline): Uncertain significance (1 of 4 stars; one submission).

gnomAD v4.1: 16 of 1,613,998 alleles (0.00099%); highest among the groups gnomAD compares: Non-Finnish European, 0.0013%; no homozygotes.

Submission:

GeneDx
Classification: Uncertain significance. Last evaluated: 2019-06-20. Review status: criteria provided, single submitter. Criteria: GeneDx Variant Classification Process June 2021. Collection method: clinical testing. Allele origin: germline. Affected: yes.
Comment: Not observed in large population cohorts (Lek et al., 2016); In silico analysis, which includes protein predictors and evolutionary conservation, supports a deleterious effect; Has not been previously published as pathogenic or benign to our knowledge

NM_134261.3(RORA):c.773C>G (p.Ser258Trp)

Genes: RORA (RAR related orphan receptor A; minus strand), RORA-AS1 (RORA antisense RNA 1; plus strand). Cytogenetic location: 15q22.2.
Variant type: single nucleotide variant.
Coding change: c.773C>G on transcript NM_134261.3 (MANE Select); coding-DNA position 773, C replaced by G.
Protein change: p.Ser258Trp; replaces serine 258 with tryptophan.
Molecular consequence: missense variant.
Genome position (GRCh38, 1-based): chr15:60,511,273, G>C on the plus strand (C>G on the coding strand, the complement: RORA is on the minus strand). VCF-style: chr15-60511273-G-C. GRCh37 (hg19) VCF-style: chr15-60803472-G-C.
Other names: c.848C>G, p.Ser283Trp (NM_002943.4); c.872C>G, p.Ser291Trp (NM_134260.3); c.608C>G, p.Ser203Trp (NM_134262.3); short protein forms S203W, S258W, S283W, S291W.
Identifiers: ClinVar variation 1302482 (VCV001302482.2), dbSNP rs200220645, ClinGen allele CA392670223.